The following is an entry in ClinVar:

ClinVar aggregate classification (germline): Uncertain significance (1 of 4 stars; one submission).

Submission:

Labcorp Genetics (formerly Invitae), Labcorp
Classification: Uncertain significance. Last evaluated: 2022-06-27. Review status: criteria provided, single submitter. Criteria: Invitae Variant Classification Sherloc (09022015). Collection method: clinical testing. Allele origin: germline.
Comment: Algorithms developed to predict the effect of missense changes on protein structure and function are either unavailable or do not agree on the potential impact of this missense change (SIFT: "Deleterious"; PolyPhen-2: "Benign"; Align-GVGD: "Class C0"). In summary, the available evidence is currently insufficient to determine the role of this variant in disease. Therefore, it has been classified as a Variant of Uncertain Significance. This variant has not been reported in the literature in individuals affected with CTNNA1-related conditions. This sequence change replaces threonine, which is neutral and polar, with lysine, which is basic and polar, at codon 34 of the CTNNA1 protein (p.Thr34Lys). This variant is not present in population databases (gnomAD no frequency).

NM_001903.5(CTNNA1):c.101C>A (p.Thr34Lys)

Gene: CTNNA1 (catenin alpha 1; plus strand). Cytogenetic location: 5q31.2.
Variant type: single nucleotide variant.
Coding change: c.101C>A on transcript NM_001903.5 (MANE Select); coding-DNA position 101, C replaced by A.
Protein change: p.Thr34Lys; replaces threonine 34 with lysine.
Molecular consequence: missense variant. On other transcripts: 5 prime UTR variant (2).
Genome position (GRCh38, 1-based): chr5:138,782,025, C>A. VCF-style: chr5-138782025-C-A. GRCh37 (hg19) VCF-style: chr5-138117714-C-A.
Other names: c.101C>A, p.Thr34Lys (NM_001290307.3, NM_001323982.2, NM_001323983.1 and 3 more transcripts); c.-13C>A (NM_001290309.3); c.-106C>A (NM_001290310.3); short protein forms T34K.
Identifiers: ClinVar variation 2094406 (VCV002094406.4), dbSNP rs2149652103, ClinGen allele CA361477238.